The following is an entry in ClinVar:

NM_001007553.3(CSDE1):c.1042C>T (p.Arg348Ter)

Gene: CSDE1 (cold shock domain containing E1; minus strand). Cytogenetic location: 1p13.2.
Variant type: single nucleotide variant.
Coding change: c.1042C>T on transcript NM_001007553.3 (MANE Select); coding-DNA position 1042, C replaced by T.
Protein change: p.Arg348Ter; replaces arginine 348 with a stop codon.
Molecular consequence: nonsense.
Genome position (GRCh38, 1-based): chr1:114,732,612, G>A on the plus strand (C>T on the coding strand, the complement: CSDE1 is on the minus strand). VCF-style: chr1-114732612-G-A. GRCh37 (hg19) VCF-style: chr1-115275233-G-A.
Other names: c.1087C>T, p.Arg363Ter (NM_001130523.3); c.1180C>T, p.Arg394Ter (NM_001242891.2); c.1042C>T, p.Arg348Ter (NM_001242892.2); c.949C>T, p.Arg317Ter (NM_001242893.2, NM_007158.6); short protein forms R317*, R348*, R363*, R394*.
Identifiers: ClinVar variation 3901561 (VCV003901561.1).
Genomic context (GRCh38, chr1:114,732,612, plus strand): 5'-TAACATTGGCTTTCGCATATTAGATACATATCCAGTAATATCCAACACTTACCATTTCTC[G>A]GGCTTCATTAGTGAACTGAAATGTATTTGACAGAACTTCTATATTGGTTGCTCGCTCTAA-3'

ClinVar aggregate classification (germline): Likely pathogenic (1 of 4 stars; one submission).

Submission:

GeneDx
Classification: Likely pathogenic. Last evaluated: 2024-12-09. Review status: criteria provided, single submitter. Criteria: GeneDx Variant Classification Process June 2021. Collection method: clinical testing. Allele origin: germline. Affected: yes.
Comment: Nonsense variant predicted to result in protein truncation or nonsense mediated decay in a gene for which loss of function is a known mechanism of disease; Not observed at significant frequency in large population cohorts (gnomAD); Has not been previously published as pathogenic or benign to our knowledge